The following is an entry in ClinVar:

NM_015909.4(NBAS):c.2529G>A (p.Met843Ile)

Gene: NBAS (NBAS subunit of NRZ tethering complex; minus strand). Cytogenetic location: 2p24.3.
Variant type: single nucleotide variant.
Coding change: c.2529G>A on transcript NM_015909.4 (MANE Select); coding-DNA position 2529, G replaced by A.
Protein change: p.Met843Ile; replaces methionine 843 with isoleucine.
Molecular consequence: missense variant. On other transcripts: non-coding transcript variant (1).
Genome position (GRCh38, 1-based): chr2:15,424,363, C>T on the plus strand (G>A on the coding strand, the complement: NBAS is on the minus strand). VCF-style: chr2-15424363-C-T. GRCh37 (hg19) VCF-style: chr2-15564487-C-T.
Other names: short protein forms M843I.
Identifiers: ClinVar variation 1373894 (VCV001373894.4), dbSNP rs1255010413, ClinGen allele CA345889548.

ClinVar aggregate classification (germline): Uncertain significance (1 of 4 stars; one submission).

Allele frequency attached by ClinVar (database versions not stated): TOPMed below 0.00001; gnomAD exomes 0.00002.
gnomAD v4.1: 4 of 1,614,092 alleles (0.00025%); highest among the groups gnomAD compares: Admixed American, 0.005%; no homozygotes.

Submission:

Labcorp Genetics (formerly Invitae), Labcorp
Classification: Uncertain significance. Last evaluated: 2022-11-08. Review status: criteria provided, single submitter. Criteria: Invitae Variant Classification Sherloc (09022015). Collection method: clinical testing. Allele origin: germline.
Comment: Advanced modeling of protein sequence and biophysical properties (such as structural, functional, and spatial information, amino acid conservation, physicochemical variation, residue mobility, and thermodynamic stability) performed at Invitae indicates that this missense variant is not expected to disrupt NBAS protein function. In summary, the available evidence is currently insufficient to determine the role of this variant in disease. Therefore, it has been classified as a Variant of Uncertain Significance. Algorithms developed to predict the effect of sequence changes on RNA splicing suggest that this variant may disrupt the consensus splice site. ClinVar contains an entry for this variant (Variation ID: 1373894). This variant has not been reported in the literature in individuals affected with NBAS-related conditions. This variant is present in population databases (no rsID available, gnomAD 0.01%). This sequence change replaces methionine, which is neutral and non-polar, with isoleucine, which is neutral and non-polar, at codon 843 of the NBAS protein (p.Met843Ile).